The following is an entry in ClinVar:

ClinVar aggregate classification (germline): Benign. Review status: criteria provided, multiple submitters, no conflicts (2 of 4 stars). 2 submissions from 2 submitters: Benign (2). Last evaluated 2018-06-14.

Allele frequency attached by ClinVar (database versions not stated): TOPMed 0.05509; 1000 Genomes Project 30x 0.03670; gnomAD 0.06010; 1000 Genomes Project 0.03674; ESP Exome Variant Server 0.05902.
gnomAD v4.1: 115,573 of 1,583,568 alleles (7.3%); highest among the groups gnomAD compares: Middle Eastern, 11%; 4,677 homozygotes.

Submissions (2):

GeneDx
Classification: Benign. Last evaluated: 2018-06-14. Review status: criteria provided, single submitter. Criteria: GeneDx Variant Classification (06012015). Collection method: clinical testing. Allele origin: germline. Affected: yes.
Comment: This variant is considered likely benign or benign based on one or more of the following criteria: it is a conservative change, it occurs at a poorly conserved position in the protein, it is predicted to be benign by multiple in silico algorithms, and/or has population frequency not consistent with disease.

Breakthrough Genomics
Classification: Benign. Review status: criteria provided, single submitter. Criteria: ACMG Guidelines, 2015. Collection method: not provided. Allele origin: germline. Inheritance: Autosomal recessive inheritance. Affected: yes.

NM_016373.4(WWOX):c.605+37C>T

Gene: WWOX (WW domain containing oxidoreductase; plus strand). Cytogenetic location: 16q23.1.
Variant type: single nucleotide variant.
Coding change: c.605+37C>T on transcript NM_016373.4 (MANE Select); 37 bases into the intron after coding-DNA position 605, C replaced by T.
Molecular consequence: intron variant.
Genome position (GRCh38, 1-based): chr16:78,386,985, C>T. VCF-style: chr16-78386985-C-T. GRCh37 (hg19) VCF-style: chr16-78420882-C-T.
Other names: c.266+37C>T (NM_001291997.2).
Identifiers: ClinVar variation 672341 (VCV000672341.2), dbSNP rs12446823, ClinGen allele CA8183364.
Genomic context (GRCh38, chr16:78,386,985, plus strand): 5'-TGAAGCATTCAAGGCCAAGAATGTGTGAGTGTTCCAGTGGAGGGTTATAGATCATAATTT[C>T]TTGCTATTGTAATATCTTTATCAGATGAACACAATTGGGAGAATGCAAGGCTGTTGTGTT-3'